The following is an entry in ClinVar:

ClinVar aggregate classification (germline): Uncertain significance. Review status: criteria provided, multiple submitters, no conflicts (2 of 4 stars). 2 submissions from 2 submitters: Uncertain significance (2). Last evaluated 2025-12-04.

Conditions:
Hereditary cancer-predisposing syndrome. Also called: Neoplastic Syndromes, Hereditary; Hereditary neoplastic syndrome; Tumor predisposition; Hereditary Cancer Syndrome. Identifiers: Orphanet 140162, MedGen C0027672, MeSH D009386, MONDO:0015356.
Neuroblastoma, susceptibility to, 3. Also called: ALK-Related Neuroblastic Tumor Susceptibility. Identifiers: Orphanet 635, MedGen C2751681, MONDO:0013083, OMIM 613014.

Allele frequency attached by ClinVar (database versions not stated): gnomAD exomes below 0.00001; TOPMed below 0.00001; gnomAD 0.00001.
gnomAD v4.1: 5 of 1,613,478 alleles (0.00031%); highest among the groups gnomAD compares: Admixed American, 0.0033%; no homozygotes.

Submissions (2):

Ambry Genetics
Classification: Uncertain significance for Hereditary cancer-predisposing syndrome. Last evaluated: 2025-12-04. Review status: criteria provided, single submitter. Criteria: Ambry Variant Classification Scheme 2023. Collection method: clinical testing. Allele origin: germline.
Comment: The p.C1354F variant (also known as c.4061G>T), located in coding exon 27 of the ALK gene, results from a G to T substitution at nucleotide position 4061. The cysteine at codon 1354 is replaced by phenylalanine, an amino acid with highly dissimilar properties. This amino acid position is highly conserved in available vertebrate species. In addition, this alteration is predicted to be deleterious by in silico analysis. Based on the available evidence, the clinical significance of this variant remains unclear.

Labcorp Genetics (formerly Invitae), Labcorp
Classification: Uncertain significance for Neuroblastoma, susceptibility to, 3. Last evaluated: 2025-10-13. Review status: criteria provided, single submitter. Criteria: Invitae Variant Classification Sherloc (09022015). Collection method: clinical testing. Allele origin: germline.
Comment: This sequence change replaces cysteine, which is neutral and slightly polar, with phenylalanine, which is neutral and non-polar, at codon 1354 of the ALK protein (p.Cys1354Phe). This variant is not present in population databases (gnomAD no frequency). This variant has not been reported in the literature in individuals affected with ALK-related conditions. ClinVar contains an entry for this variant (Variation ID: 834766). An algorithm developed to predict the effect of missense changes on protein structure and function (PolyPhen-2) suggests that this variant is likely to be disruptive. In summary, the available evidence is currently insufficient to determine the role of this variant in disease. Therefore, it has been classified as a Variant of Uncertain Significance.

NM_004304.5(ALK):c.4061G>T (p.Cys1354Phe)

Gene: ALK (ALK receptor tyrosine kinase; minus strand). Cytogenetic location: 2p23.2.
Variant type: single nucleotide variant.
Coding change: c.4061G>T on transcript NM_004304.5 (MANE Select); coding-DNA position 4061, G replaced by T.
Protein change: p.Cys1354Phe; replaces cysteine 1354 with phenylalanine.
Molecular consequence: missense variant.
Genome position (GRCh38, 1-based): chr2:29,197,554, C>A on the plus strand (G>T on the coding strand, the complement: ALK is on the minus strand). VCF-style: chr2-29197554-C-A. GRCh37 (hg19) VCF-style: chr2-29420420-C-A.
Other names: c.857G>T, p.Cys286Phe (NM_001353765.2); short protein forms C1354F, C286F.
Identifiers: ClinVar variation 834766 (VCV000834766.10), dbSNP rs963770969, ClinGen allele CA44638052.